The following is an entry in ClinVar:

NM_001378778.1(MPDZ):c.4949T>A (p.Leu1650Gln)

Gene: MPDZ (multiple PDZ domain crumbs cell polarity complex component; minus strand). Cytogenetic location: 9p23.
Variant type: single nucleotide variant.
Coding change: c.4949T>A on transcript NM_001378778.1 (MANE Select); coding-DNA position 4949, T replaced by A.
Protein change: p.Leu1650Gln; replaces leucine 1650 with glutamine.
Molecular consequence: missense variant.
Genome position (GRCh38, 1-based): chr9:13,123,157, A>T on the plus strand (T>A on the coding strand, the complement: MPDZ is on the minus strand). VCF-style: chr9-13123157-A-T. GRCh37 (hg19) VCF-style: chr9-13123156-A-T.
Other names: c.4850T>A, p.Leu1617Gln (NM_001261406.2, NM_001261407.2, NM_001375416.1 and 3 more transcripts); c.4949T>A, p.Leu1650Gln (NM_001330637.2, NM_003829.5); c.5048T>A, p.Leu1683Gln (NM_001375413.1); c.4739T>A, p.Leu1580Gln (NM_001375420.1, NM_001375421.1, NM_001375422.1 and 4 more transcripts); c.4541T>A, p.Leu1514Gln (NM_001375427.1); c.4949T>A (NM_003829.3, NM_003829.4); short protein forms L1650Q, L1514Q, L1580Q, L1617Q, L1683Q.
Identifiers: ClinVar variation 1413749 (VCV001413749.9), dbSNP rs201154034, ClinGen allele CA4986522.

ClinVar aggregate classification (germline): Uncertain significance. Review status: criteria provided, multiple submitters, no conflicts (2 of 4 stars). 3 submissions from 3 submitters: Uncertain significance (2). 1 of the submissions does not count toward it. Last evaluated 2024-06-04.

Conditions:
Inborn genetic diseases. Identifiers: MedGen C0950123, MeSH D030342.
MPDZ-related disorder. Also called: MPDZ-related condition.

Allele frequency attached by ClinVar (database versions not stated): ESP Exome Variant Server 0.00016; gnomAD 0.00029 and 0.00033; TOPMed 0.00037.
gnomAD v4.1: 83 of 1,611,772 alleles (0.0051%); highest among the groups gnomAD compares: African/African-American, 0.094%; no homozygotes.

Submissions (3):

Ambry Genetics
Classification: Uncertain significance for Inborn genetic diseases. Last evaluated: 2024-06-04. Review status: criteria provided, single submitter. Criteria: Ambry Variant Classification Scheme 2023. Collection method: clinical testing. Allele origin: germline.

Labcorp Genetics (formerly Invitae), Labcorp
Classification: Uncertain significance. Last evaluated: 2023-08-10. Review status: criteria provided, single submitter. Criteria: Invitae Variant Classification Sherloc (09022015). Collection method: clinical testing. Allele origin: germline.
Comment: In summary, the available evidence is currently insufficient to determine the role of this variant in disease. Therefore, it has been classified as a Variant of Uncertain Significance. An algorithm developed to predict the effect of missense changes on protein structure and function (PolyPhen-2) suggests that this variant is likely to be disruptive. ClinVar contains an entry for this variant (Variation ID: 1413749). This variant has not been reported in the literature in individuals affected with MPDZ-related conditions. This variant is present in population databases (rs201154034, gnomAD 0.05%). This sequence change replaces leucine, which is neutral and non-polar, with glutamine, which is neutral and polar, at codon 1650 of the MPDZ protein (p.Leu1650Gln).

PreventionGenetics, part of Exact Sciences
Classification: Uncertain significance for MPDZ-related condition. Last evaluated: 2023-11-10. Review status: no assertion criteria provided. Collection method: clinical testing. Allele origin: germline. Not counted in ClinVar's aggregate classification.
Comment: The MPDZ c.4949T>A variant is predicted to result in the amino acid substitution p.Leu1650Gln. To our knowledge, this variant has not been reported in the literature. This variant is reported in 0.045% of alleles in individuals of African descent in gnomAD. At this time, the clinical significance of this variant is uncertain due to the absence of conclusive functional and genetic evidence.